The following is an entry in ClinVar:

NM_018486.3(HDAC8):c.1005+2dup

Gene: HDAC8 (histone deacetylase 8; minus strand). Cytogenetic location: Xq13.1.
Variant type: Duplication.
Coding change: c.1005+2dup on transcript NM_018486.3 (MANE Select); the canonical splice donor site of the intron after coding-DNA position 1005, one base duplicated (T; older notation c.1005+2dupT).
Molecular consequence: splice donor variant. On other transcripts: 3 prime UTR variant (1).
Genome position (GRCh38, 1-based): chrX:72,462,002, A duplicated on the plus strand (T on the coding strand, the reverse complement: HDAC8 is on the minus strand). VCF-style (leftmost placement, unchanged base first): chrX-72462001-T-TA. GRCh37 (hg19) VCF-style: chrX-71681851-T-TA.
Other names: c.*87dup (NM_001410729.1); c.732+2dup (NM_001166418.2, NM_001410728.1); c.705+2dup (NM_001441234.1); c.927+2dup (NM_001410727.1); c.1005+2dup (NM_001410725.1).
Identifiers: ClinVar variation 4858313 (VCV004858313.1).

ClinVar aggregate classification (germline): Uncertain significance (1 of 4 stars; one submission).

Conditions:
Inborn genetic diseases. Identifiers: MedGen C0950123, MeSH D030342.

Submission:

Ambry Genetics
Classification: Uncertain significance for Inborn genetic diseases. Last evaluated: 2026-04-24. Review status: criteria provided, single submitter. Criteria: Ambry Variant Classification Scheme 2023. Collection method: clinical testing. Allele origin: germline.
Comment: The c.1005+2dupT variant is located 2 nucleotides after exon 9 (coding exon 9) of the HDAC8 gene. This variant consists of a duplication of one nucleotide at position c.1005+2. This variant was not reported in population-based cohorts in the Genome Aggregation Database (gnomAD). This nucleotide position is highly conserved in available vertebrate species. In silico splice site analysis predicts that this alteration will weaken the native splice donor site. Based on insufficient or conflicting evidence, the clinical significance of this alteration remains unclear.